The following is an entry in ClinVar:

NM_183357.3(ADCY5):c.427G>C (p.Ala143Pro)

Gene: ADCY5 (adenylate cyclase 5; minus strand). Cytogenetic location: 3q21.1.
Variant type: single nucleotide variant.
Coding change: c.427G>C on transcript NM_183357.3 (MANE Select); coding-DNA position 427, G replaced by C.
Protein change: p.Ala143Pro; replaces alanine 143 with proline.
Molecular consequence: missense variant.
Genome position (GRCh38, 1-based): chr3:123,448,119, C>G on the plus strand (G>C on the coding strand, the complement: ADCY5 is on the minus strand). VCF-style: chr3-123448119-C-G. GRCh37 (hg19) VCF-style: chr3-123166966-C-G.
Other names: c.427G>C, p.Ala143Pro (NM_001378259.1); short protein forms A143P.
Identifiers: ClinVar variation 2438875 (VCV002438875.4), dbSNP rs1375462182, ClinGen allele CA354357985.

ClinVar aggregate classification (germline): Uncertain significance. Review status: criteria provided, multiple submitters, no conflicts (2 of 4 stars). 2 submissions from 2 submitters: Uncertain significance (2). Last evaluated 2025-04-16.

Submissions (2):

Labcorp Genetics (formerly Invitae), Labcorp
Classification: Uncertain significance. Last evaluated: 2025-04-16. Review status: criteria provided, single submitter. Criteria: Invitae Variant Classification Sherloc (09022015). Collection method: clinical testing. Allele origin: germline.
Comment: This sequence change replaces alanine, which is neutral and non-polar, with proline, which is neutral and non-polar, at codon 143 of the ADCY5 protein (p.Ala143Pro). The frequency data for this variant in the population databases is considered unreliable, as metrics indicate insufficient coverage at this position in the gnomAD database. This variant has not been reported in the literature in individuals affected with ADCY5-related conditions. ClinVar contains an entry for this variant (Variation ID: 2438875). Invitae Evidence Modeling of protein sequence and biophysical properties (such as structural, functional, and spatial information, amino acid conservation, physicochemical variation, residue mobility, and thermodynamic stability) indicates that this missense variant is not expected to disrupt ADCY5 protein function with a negative predictive value of 95%. In summary, the available evidence is currently insufficient to determine the role of this variant in disease. Therefore, it has been classified as a Variant of Uncertain Significance.

Revvity Omics, Revvity
Classification: Uncertain significance. Last evaluated: 2022-06-10. Review status: criteria provided, single submitter. Criteria: ACMG Guidelines, 2015. Collection method: clinical testing. Allele origin: germline.